The following is an entry in ClinVar:

ClinVar aggregate classification (germline): Uncertain significance (1 of 4 stars; one submission).

Conditions:
Glycogen storage disease IXd (GSD9D). Also called: Muscle Phosphorylase Kinase Deficiency; GSD IXd. Identifiers: Orphanet 715, MedGen C1845151, MONDO:0010362, OMIM 300559.

Submission:

Labcorp Genetics (formerly Invitae), Labcorp
Classification: Uncertain significance for Glycogen storage disease IXd. Last evaluated: 2020-08-02. Review status: criteria provided, single submitter. Criteria: Invitae Variant Classification Sherloc (09022015). Collection method: clinical testing. Allele origin: germline.
Comment: This sequence change replaces methionine with threonine at codon 92 of the PHKA1 protein (p.Met92Thr). The methionine residue is moderately conserved and there is a moderate physicochemical difference between methionine and threonine. This variant is not present in population databases (ExAC no frequency). This variant has not been reported in the literature in individuals with PHKA1-related conditions. Algorithms developed to predict the effect of missense changes on protein structure and function are either unavailable or do not agree on the potential impact of this missense change (SIFT: "Deleterious"; PolyPhen-2: "Possibly Damaging"; Align-GVGD: "Class C0"). In summary, the available evidence is currently insufficient to determine the role of this variant in disease. Therefore, it has been classified as a Variant of Uncertain Significance.

NM_002637.4(PHKA1):c.275T>C (p.Met92Thr)

Genes: PHKA1 (phosphorylase kinase regulatory subunit alpha 1; minus strand), PHKA1-AS1 (PHKA1 antisense RNA 1; plus strand). Cytogenetic location: Xq13.1.
Variant type: single nucleotide variant.
Coding change: c.275T>C on transcript NM_002637.4 (MANE Select); coding-DNA position 275, T replaced by C.
Protein change: p.Met92Thr; replaces methionine 92 with threonine.
Molecular consequence: missense variant.
Genome position (GRCh38, 1-based): chrX:72,705,208, A>G on the plus strand (T>C on the coding strand, the complement: PHKA1 is on the minus strand). VCF-style: chrX-72705208-A-G. GRCh37 (hg19) VCF-style: chrX-71925057-A-G.
Other names: c.275T>C, p.Met92Thr (NM_001122670.2, NM_001172436.2); short protein forms M92T.
Identifiers: ClinVar variation 1038699 (VCV001038699.9), dbSNP rs2054264983, ClinGen allele CA413640620.